The following is an entry in ClinVar:

NM_001394062.1(MACF1):c.13228T>A (p.Ser4410Thr)

Gene: MACF1 (microtubule actin crosslinking factor 1; plus strand). Cytogenetic location: 1p34.3.
Variant type: single nucleotide variant.
Coding change: c.13228T>A on transcript NM_001394062.1 (MANE Select); coding-DNA position 13228, T replaced by A.
Protein change: p.Ser4410Thr; replaces serine 4410 with threonine.
Molecular consequence: missense variant.
Genome position (GRCh38, 1-based): chr1:39,378,475, T>A. VCF-style: chr1-39378475-T-A. GRCh37 (hg19) VCF-style: chr1-39844147-T-A.
Other names: c.7042T>A (NM_012090.4); c.7042T>A, p.Ser2348Thr (NM_012090.5); short protein forms S4410T, S2348T.
Identifiers: ClinVar variation 2074704 (VCV002074704.11), dbSNP rs763267162, ClinGen allele CA782006.

ClinVar aggregate classification (germline): Conflicting classifications of pathogenicity. Review status: criteria provided, conflicting classifications (1 of 4 stars). 3 submissions from 3 submitters: Uncertain significance (1); Likely benign (2). Last evaluated 2025-11-01.

Conditions:
Inborn genetic diseases. Identifiers: MedGen C0950123, MeSH D030342.

Allele frequency attached by ClinVar (database versions not stated): gnomAD 0.00001; TOPMed 0.00001; gnomAD exomes 0.00004; ExAC 0.00012.
gnomAD v4.1: 25 of 1,613,920 alleles (0.0015%); highest among the groups gnomAD compares: Admixed American, 0.042%; no homozygotes.

Submissions (3):

CeGaT Center for Human Genetics Tuebingen
Classification: Likely benign. Last evaluated: 2025-11-01. Review status: criteria provided, single submitter. Criteria: CeGaT Center For Human Genetics Tuebingen Variant Classification Criteria Version 2. Collection method: clinical testing. Allele origin: germline. Affected: yes. Observed: 1 variant allele.
Comment: MACF1: BP4

Labcorp Genetics (formerly Invitae), Labcorp
Classification: Uncertain significance. Last evaluated: 2025-06-03. Review status: criteria provided, single submitter. Criteria: Invitae Variant Classification Sherloc (09022015). Collection method: clinical testing. Allele origin: germline.
Comment: This sequence change replaces serine, which is neutral and polar, with threonine, which is neutral and polar, at codon 2348 of the MACF1 protein (p.Ser2348Thr). This variant is present in population databases (rs763267162, gnomAD 0.07%), and has an allele count higher than expected for a pathogenic variant. This variant has not been reported in the literature in individuals affected with MACF1-related conditions. ClinVar contains an entry for this variant (Variation ID: 2074704). An algorithm developed to predict the effect of missense changes on protein structure and function (PolyPhen-2) suggests that this variant is likely to be tolerated. In summary, the available evidence is currently insufficient to determine the role of this variant in disease. Therefore, it has been classified as a Variant of Uncertain Significance.

Ambry Genetics
Classification: Likely benign for Inborn genetic diseases. Last evaluated: 2024-08-28. Review status: criteria provided, single submitter. Criteria: Ambry Variant Classification Scheme 2023. Collection method: clinical testing. Allele origin: germline.